The following is an entry in ClinVar:

ClinVar aggregate classification (germline): Uncertain significance (1 of 4 stars; one submission).

Submission:

Labcorp Genetics (formerly Invitae), Labcorp
Classification: Uncertain significance. Last evaluated: 2025-05-28. Review status: criteria provided, single submitter. Criteria: Invitae Variant Classification Sherloc (09022015). Collection method: clinical testing. Allele origin: germline.
Comment: This sequence change replaces proline, which is neutral and non-polar, with serine, which is neutral and polar, at codon 493 of the IFT88 protein (p.Pro493Ser). This variant is not present in population databases (gnomAD no frequency). This variant has not been reported in the literature in individuals affected with IFT88-related conditions. An algorithm developed to predict the effect of missense changes on protein structure and function (PolyPhen-2) suggests that this variant is likely to be tolerated. In summary, the available evidence is currently insufficient to determine the role of this variant in disease. Therefore, it has been classified as a Variant of Uncertain Significance.

NM_006531.5(IFT88):c.1450C>T (p.Pro484Ser)

Gene: IFT88 (intraflagellar transport 88; plus strand). Cytogenetic location: 13q12.11.
Variant type: single nucleotide variant.
Coding change: c.1450C>T on transcript NM_006531.5 (MANE Select); coding-DNA position 1450, C replaced by T.
Protein change: p.Pro484Ser; replaces proline 484 with serine.
Molecular consequence: missense variant. On other transcripts: non-coding transcript variant (4).
Genome position (GRCh38, 1-based): chr13:20,638,395, C>T. VCF-style: chr13-20638395-C-T. GRCh37 (hg19) VCF-style: chr13-21212534-C-T.
Other names: c.1393C>T, p.Pro465Ser (NM_001318491.2, NM_001353575.2); c.1477C>T, p.Pro493Ser (NM_001318493.2, NM_001353565.2, NM_001353566.2 and 2 more transcripts); c.1450C>T, p.Pro484Ser (NM_001353568.2, NM_001353572.2); c.1375C>T, p.Pro459Ser (NM_001353569.2, NM_001353570.2, NM_001353576.2 and 1 more transcripts); c.1348C>T, p.Pro450Ser (NM_001353571.2, NM_001353578.2); c.1306C>T, p.Pro436Ser (NM_001353573.2); c.1291C>T, p.Pro431Ser (NM_001353574.2); c.817C>T, p.Pro273Ser (NM_001353579.2); short protein forms P436S, P450S, P273S, P431S, P465S, P484S, P493S, P459S.
Identifiers: ClinVar variation 4755167 (VCV004755167.1).